The following is an entry in ClinVar:

NM_024675.4(PALB2):c.2081C>G (p.Thr694Arg)

Gene: PALB2 (partner and localizer of BRCA2; minus strand). Cytogenetic location: 16p12.2.
Variant type: single nucleotide variant.
Coding change: c.2081C>G on transcript NM_024675.4 (MANE Select); coding-DNA position 2081, C replaced by G.
Protein change: p.Thr694Arg; replaces threonine 694 with arginine.
Molecular consequence: missense variant.
Genome position (GRCh38, 1-based): chr16:23,630,073, G>C on the plus strand (C>G on the coding strand, the complement: PALB2 is on the minus strand). VCF-style: chr16-23630073-G-C. GRCh37 (hg19) VCF-style: chr16-23641394-G-C.
Other names: short protein forms T694R.
Identifiers: ClinVar variation 643070 (VCV000643070.14), dbSNP rs1439027692, ClinGen allele CA395125857.

ClinVar aggregate classification (germline): Uncertain significance. Review status: criteria provided, multiple submitters, no conflicts (2 of 4 stars). 5 submissions from 5 submitters: Uncertain significance (4). 1 of the submissions does not count toward it. Last evaluated 2025-11-24.

Conditions:
Hereditary cancer-predisposing syndrome. Also called: Neoplastic Syndromes, Hereditary; Tumor predisposition; Hereditary neoplastic syndrome; Hereditary Cancer Syndrome. Identifiers: Orphanet 140162, MedGen C0027672, MeSH D009386, MONDO:0015356.
PALB2-related disorder. Also called: PALB2-related condition; PALB2-related disorders.
Familial cancer of breast. Also called: hereditary breast carcinoma; BREAST CANCER, FAMILIAL; Hereditary breast cancer. Identifiers: Orphanet 227535, MedGen C0346153, MONDO:0016419, OMIM 114480. Disease mechanism: loss of function.

Allele frequency attached by ClinVar (database versions not stated): gnomAD exomes below 0.00001.

Submissions (5):

Color Diagnostics, LLC DBA Color Health
Classification: Uncertain significance for Hereditary cancer-predisposing syndrome. Last evaluated: 2025-11-24. Review status: criteria provided, single submitter. Criteria: ACMG Guidelines, 2015. Collection method: clinical testing. Allele origin: germline.
Comment: This missense variant replaces threonine with arginine at codon 694 of the PALB2 protein. Computational prediction suggests that this variant may not impact protein structure and function. To our knowledge, functional studies have not been reported for this variant. This variant has not been reported in individuals affected with PALB2-related disorders in the literature. This variant has been identified in 1/251484 chromosomes in the general population by the Genome Aggregation Database (gnomAD). The available evidence is insufficient to determine the role of this variant in disease conclusively. Therefore, this variant is classified as a Variant of Uncertain Significance.

Labcorp Genetics (formerly Invitae), Labcorp
Classification: Uncertain significance for Familial cancer of breast. Last evaluated: 2025-05-14. Review status: criteria provided, single submitter. Criteria: Invitae Variant Classification Sherloc (09022015). Collection method: clinical testing. Allele origin: germline.
Comment: This sequence change replaces threonine, which is neutral and polar, with arginine, which is basic and polar, at codon 694 of the PALB2 protein (p.Thr694Arg). This variant is present in population databases (no rsID available, gnomAD 0.006%). This variant has not been reported in the literature in individuals affected with PALB2-related conditions. ClinVar contains an entry for this variant (Variation ID: 643070). Invitae Evidence Modeling of protein sequence and biophysical properties (such as structural, functional, and spatial information, amino acid conservation, physicochemical variation, residue mobility, and thermodynamic stability) indicates that this missense variant is not expected to disrupt PALB2 protein function with a negative predictive value of 80%. In summary, the available evidence is currently insufficient to determine the role of this variant in disease. Therefore, it has been classified as a Variant of Uncertain Significance.

Ambry Genetics
Classification: Uncertain significance for Hereditary cancer-predisposing syndrome. Last evaluated: 2023-11-04. Review status: criteria provided, single submitter. Criteria: Ambry Variant Classification Scheme 2023. Collection method: clinical testing. Allele origin: germline.
Comment: The p.T694R variant (also known as c.2081C>G), located in coding exon 5 of the PALB2 gene, results from a C to G substitution at nucleotide position 2081. The threonine at codon 694 is replaced by arginine, an amino acid with similar properties. This amino acid position is conserved. In addition, this alteration is predicted to be tolerated by in silico analysis. Since supporting evidence is limited at this time, the clinical significance of this alteration remains unclear.

GeneDx
Classification: Uncertain significance. Last evaluated: 2022-10-10. Review status: criteria provided, single submitter. Criteria: GeneDx Variant Classification Process June 2021. Collection method: clinical testing. Allele origin: germline. Affected: yes.
Comment: Not observed at significant frequency in large population cohorts (gnomAD); In silico analysis supports that this missense variant does not alter protein structure/function; Has not been previously published as pathogenic or benign to our knowledge

PreventionGenetics, part of Exact Sciences
Classification: Uncertain significance for PALB2-related condition. Last evaluated: 2024-06-18. Review status: no assertion criteria provided. Collection method: clinical testing. Allele origin: germline. Not counted in ClinVar's aggregate classification.
Comment: The PALB2 c.2081C>G variant is predicted to result in the amino acid substitution p.Thr694Arg. To our knowledge, this variant has not been reported in the literature. This variant is reported in 0.0054% of alleles in individuals of East Asian descent in gnomAD. At this time, the clinical significance of this variant is uncertain due to the absence of conclusive functional and genetic evidence.